The following is an entry in ClinVar:

ClinVar aggregate classification (germline): Uncertain significance (1 of 4 stars; one submission).

Conditions:
Cardiovascular phenotype. Identifiers: MedGen CN230736.

Submission:

Ambry Genetics
Classification: Uncertain significance for Cardiovascular phenotype. Last evaluated: 2023-02-16. Review status: criteria provided, single submitter. Criteria: Ambry Variant Classification Scheme 2023. Collection method: clinical testing. Allele origin: germline.
Comment: The p.E85Q variant (also known as c.253G>C), located in coding exon 2 of the PKP2 gene, results from a G to C substitution at nucleotide position 253. The glutamic acid at codon 85 is replaced by glutamine, an amino acid with highly similar properties. This amino acid position is conserved. In addition, the in silico prediction for this alteration is inconclusive. Since supporting evidence is limited at this time, the clinical significance of this alteration remains unclear.

NM_001005242.3(PKP2):c.253G>C (p.Glu85Gln)

Gene: PKP2 (plakophilin 2; minus strand). Cytogenetic location: 12p11.21.
Variant type: single nucleotide variant.
Coding change: c.253G>C on transcript NM_001005242.3 (MANE Select); coding-DNA position 253, G replaced by C.
Protein change: p.Glu85Gln; replaces glutamic acid 85 with glutamine.
Molecular consequence: missense variant. On other transcripts: 5 prime UTR variant (4).
Genome position (GRCh38, 1-based): chr12:32,879,003, C>G on the plus strand (G>C on the coding strand, the complement: PKP2 is on the minus strand). VCF-style: chr12-32879003-C-G. GRCh37 (hg19) VCF-style: chr12-33031937-C-G.
Other names: c.253G>C, p.Glu85Gln (NM_001407155.1, NM_001407156.1, NM_001407157.1 and 2 more transcripts); c.-75G>C (NM_001407158.1, NM_001407159.1, NM_001407160.1 and 1 more transcripts); short protein forms E85Q.
Identifiers: ClinVar variation 2449727 (VCV002449727.2), dbSNP rs2137953226, ClinGen allele CA384366633.